The following is an entry in ClinVar:

NM_152393.4(KLHL40):c.148G>A (p.Val50Met)

Gene: KLHL40 (kelch like family member 40; plus strand). Cytogenetic location: 3p22.1.
Variant type: single nucleotide variant.
Coding change: c.148G>A on transcript NM_152393.4 (MANE Select); coding-DNA position 148, G replaced by A.
Protein change: p.Val50Met; replaces valine 50 with methionine.
Molecular consequence: missense variant.
Genome position (GRCh38, 1-based): chr3:42,685,766, G>A. VCF-style: chr3-42685766-G-A. GRCh37 (hg19) VCF-style: chr3-42727258-G-A.
Other names: short protein forms V50M.
Identifiers: ClinVar variation 956865 (VCV000956865.6), dbSNP rs1004240706, ClinGen allele CA74191636.

ClinVar aggregate classification (germline): Uncertain significance (1 of 4 stars; one submission).

Conditions:
Nemaline myopathy 8 (NEM8). Also called: Nemaline myopathy 8, autosomal recessive. Identifiers: Orphanet 171430, MedGen C3809209, MONDO:0014138, OMIM 615348.

Allele frequency attached by ClinVar (database versions not stated): gnomAD exomes 0.00001; TOPMed 0.00002.
gnomAD v4.1: 13 of 1,612,340 alleles (0.00081%); highest among the groups gnomAD compares: Admixed American, 0.0017%; no homozygotes.

Submission:

Labcorp Genetics (formerly Invitae), Labcorp
Classification: Uncertain significance for Nemaline myopathy 8. Last evaluated: 2022-06-04. Review status: criteria provided, single submitter. Criteria: Invitae Variant Classification Sherloc (09022015). Collection method: clinical testing. Allele origin: germline.
Comment: This sequence change replaces valine, which is neutral and non-polar, with methionine, which is neutral and non-polar, at codon 50 of the KLHL40 protein (p.Val50Met). This variant is not present in population databases (gnomAD no frequency). This variant has not been reported in the literature in individuals affected with KLHL40-related conditions. ClinVar contains an entry for this variant (Variation ID: 956865). Algorithms developed to predict the effect of missense changes on protein structure and function are either unavailable or do not agree on the potential impact of this missense change (SIFT: "Deleterious"; PolyPhen-2: "Probably Damaging"; Align-GVGD: "Class C0"). In summary, the available evidence is currently insufficient to determine the role of this variant in disease. Therefore, it has been classified as a Variant of Uncertain Significance.